The following is an entry in ClinVar:

ClinVar aggregate classification (germline): Uncertain significance. Review status: reviewed by expert panel (3 of 4 stars). 6 submissions from 6 submitters: Uncertain significance (1). 5 of the submissions do not count toward it. Last evaluated 2022-03-09.

Conditions:
ATM-related cancer predisposition. Also called: ATM-related cancer susceptibility. Identifiers: MedGen CN377759, MONDO:0700270.
Familial cancer of breast. Also called: BREAST CANCER, FAMILIAL; Hereditary breast cancer; hereditary breast carcinoma. Identifiers: Orphanet 227535, MedGen C0346153, MONDO:0016419, OMIM 114480. Disease mechanism: loss of function.
Ataxia-telangiectasia syndrome (AT). Also called: LOUIS-BAR SYNDROME; Ataxia telangiectasia (A-T); Cerebello-oculocutaneous telangiectasia; Immunodeficiency with ataxia telangiectasia; Ataxia-telangiectasia, complementation group E; ATAXIA-TELANGIECTASIA, COMPLEMENTATION GROUP A. Identifiers: Orphanet 100, MedGen C0004135, MONDO:0008840, OMIM 208900.
Hereditary cancer-predisposing syndrome. Also called: Hereditary Cancer Syndrome; Tumor predisposition; Neoplastic Syndromes, Hereditary; Hereditary neoplastic syndrome. Identifiers: Orphanet 140162, MedGen C0027672, MeSH D009386, MONDO:0015356.

Allele frequency attached by ClinVar (database versions not stated): gnomAD exomes 0.00001; TOPMed below 0.00001; gnomAD 0.00001.
gnomAD v4.1: 19 of 1,605,202 alleles (0.0012%); highest among the groups gnomAD compares: Non-Finnish European, 0.0016%; no homozygotes.

Submissions (6):

ClinGen Hereditary Breast, Ovarian and Pancreatic Cancer Variant Curation Expert Panel, ClinGen
Classification: Uncertain significance for ATM-related cancer predisposition. Last evaluated: 2022-03-09. Review status: reviewed by expert panel. Criteria: clingen hbop acmg specifications atm v1-1. Collection method: curation. Allele origin: germline. Inheritance: Autosomal dominant inheritance.
Comment: The ATM c.331+7G>A variant has a GnomAD (v2.1.1) is a singleton in gnomAD v2.1.1 and therefore considered rare (PM2_Supporting). In silico splicing predictors (SpliceAI, Donor Loss: 0%, Donor Gain: 0%; NNSplice, no change) predict that this alteration will not have a significant impact on splicing (BP4). In summary, this variant meets criteria to be classified as a variant of uncertain significance. ACMG/AMP criteria applied, as specified by the HBOP Variant Curation Expert Panel.

Labcorp Genetics (formerly Invitae), Labcorp
Classification: Likely benign for Ataxia-telangiectasia syndrome. Last evaluated: 2024-10-13. Review status: criteria provided, single submitter. Criteria: Invitae Variant Classification Sherloc (09022015). Collection method: clinical testing. Allele origin: germline. Not counted in ClinVar's aggregate classification.

Myriad Genetics, Inc.
Classification: Likely benign for Familial cancer of breast. Last evaluated: 2024-04-18. Review status: criteria provided, single submitter. Criteria: Myriad Autosomal Dominant, Autosomal Recessive and X-Linked Classification Criteria (2023). Collection method: clinical testing. Allele origin: unknown. Not counted in ClinVar's aggregate classification.
Comment: This variant is considered likely benign. This variant is intronic and is not expected to impact mRNA splicing.

Department of Pathology and Laboratory Medicine, Sinai Health System
Classification: Likely benign for Familial cancer of breast. Last evaluated: 2020-12-16. Review status: criteria provided, single submitter. Criteria: ACMG Guidelines, 2015. Collection method: clinical testing. Allele origin: germline. Affected: yes. Not counted in ClinVar's aggregate classification.

GeneDx
Classification: Likely benign. Last evaluated: 2017-04-26. Review status: criteria provided, single submitter. Criteria: GeneDx Variant Classification (06012015). Collection method: clinical testing. Allele origin: germline. Affected: yes. Not counted in ClinVar's aggregate classification.
Comment: This variant is considered likely benign or benign based on one or more of the following criteria: it is a conservative change, it occurs at a poorly conserved position in the protein, it is predicted to be benign by multiple in silico algorithms, and/or has population frequency not consistent with disease.

Color Diagnostics, LLC DBA Color Health
Classification: Likely benign for Hereditary cancer-predisposing syndrome. Last evaluated: 2016-02-23. Review status: criteria provided, single submitter. Criteria: ACMG Guidelines, 2015. Collection method: clinical testing. Allele origin: germline. Not counted in ClinVar's aggregate classification.

NM_000051.4(ATM):c.331+7G>A

Gene: ATM (ATM serine/threonine kinase; plus strand). Cytogenetic location: 11q22.3.
Variant type: single nucleotide variant.
Coding change: c.331+7G>A on transcript NM_000051.4 (MANE Select); 7 bases into the intron after coding-DNA position 331, G replaced by A.
Molecular consequence: intron variant. On other transcripts: synonymous variant (2).
Genome position (GRCh38, 1-based): chr11:108,229,330, G>A. VCF-style: chr11-108229330-G-A. GRCh37 (hg19) VCF-style: chr11-108100057-G-A.
Other names: NM_000051.3(ATM):c.331+7G>A; c.338G>A, p.Ter113= (NM_001351835.2, NM_001351836.2); c.331+7G>A (NM_001351834.2).
Identifiers: ClinVar variation 453461 (VCV000453461.19), dbSNP rs1184757004, ClinGen allele CA658656149.